The following is an entry in ClinVar:

ClinVar aggregate classification (germline): Conflicting classifications of pathogenicity. Review status: criteria provided, conflicting classifications (1 of 4 stars). 3 submissions from 3 submitters: Pathogenic (1); Likely pathogenic (1); Uncertain significance (1). Last evaluated 2024-05-01.

Conditions:
Intellectual developmental disorder, autosomal dominant 22. Also called: Intellectual disability, autosomal dominant 22. Identifiers: MedGen CN029689, MONDO:0012869, OMIM 612337.

Submissions (3):

Labcorp Genetics (formerly Invitae), Labcorp
Classification: Uncertain significance. Last evaluated: 2024-05-01. Review status: criteria provided, single submitter. Criteria: Invitae Variant Classification Sherloc (09022015). Collection method: clinical testing. Allele origin: germline.
Comment: This sequence change replaces arginine, which is basic and polar, with cysteine, which is neutral and slightly polar, at codon 482 of the ZBTB18 protein (p.Arg482Cys). This variant is not present in population databases (gnomAD no frequency). This missense change has been observed in individual(s) with ZBTB18-related conditions (PMID: 33004838, 33144682). ClinVar contains an entry for this variant (Variation ID: 548012). Advanced modeling of protein sequence and biophysical properties (such as structural, functional, and spatial information, amino acid conservation, physicochemical variation, residue mobility, and thermodynamic stability) performed at Invitae indicates that this missense variant is expected to disrupt ZBTB18 protein function with a positive predictive value of 95%. Experimental studies have shown that this missense change affects ZBTB18 function (PMID: 33608456). In summary, the available evidence is currently insufficient to determine the role of this variant in disease. Therefore, it has been classified as a Variant of Uncertain Significance.

Mayo Clinic Laboratories, Mayo Clinic
Classification: Pathogenic for Intellectual developmental disorder, autosomal dominant 22. Last evaluated: 2017-11-21. Review status: criteria provided, single submitter. Criteria: ACMG Guidelines, 2015. Collection method: clinical testing. Allele origin: de novo.

Juno Genomics, Hangzhou Juno Genomics, Inc
Classification: Likely pathogenic for Intellectual developmental disorder, autosomal dominant 22. Review status: criteria provided, single submitter. Criteria: ACMG Guidelines, 2015. Collection method: clinical testing. Allele origin: germline. Affected: yes.
Comment: Absent from controls (or at extremely low frequency if recessive) in Genome Aggregation Database.;De novo (both maternity and paternity confirmed) in a patient with the disease and no family history.;Missense variant in a gene that has a low rate of benign missense variation.;The prevalence of the variant in affected individuals is significantly increased compared to the prevalence in controls.;Patient's phenotype or family history is highly specific for a disease with a single genetic etiology.;Located in a mutational hot spot and/or critical and well-established functional domain without benign variation.

Literature cited by the submitters: PubMed 33004838 (cited by Labcorp Genetics (formerly Invitae), Labcorp); PubMed 33144682 (cited by Labcorp Genetics (formerly Invitae), Labcorp); PubMed 33608456 (cited by Labcorp Genetics (formerly Invitae), Labcorp).

NM_205768.3(ZBTB18):c.1444C>T (p.Arg482Cys)

Gene: ZBTB18 (zinc finger and BTB domain containing 18; plus strand). Cytogenetic location: 1q44.
Variant type: single nucleotide variant.
Coding change: c.1444C>T on transcript NM_205768.3 (MANE Select); coding-DNA position 1444, C replaced by T.
Protein change: p.Arg482Cys; replaces arginine 482 with cysteine.
Molecular consequence: missense variant.
Genome position (GRCh38, 1-based): chr1:244,055,218, C>T. VCF-style: chr1-244055218-C-T. GRCh37 (hg19) VCF-style: chr1-244218520-C-T.
Other names: c.1417C>T, p.Arg473Cys (NM_001278196.2, NM_006352.5); short protein forms R482C, R473C.
Identifiers: ClinVar variation 548012 (VCV000548012.8), dbSNP rs1553270634, ClinGen allele CA345675150.